The following is an entry in ClinVar:

ClinVar aggregate classification (germline): Conflicting classifications of pathogenicity. Review status: criteria provided, conflicting classifications (1 of 4 stars). 3 submissions from 3 submitters: Uncertain significance (1); Likely benign (1). 1 of the submissions does not count toward it. Last evaluated 2025-12-01.

Conditions:
CUBN-related disorder. Also called: CUBN-related condition.
Imerslund-Grasbeck syndrome. Also called: PERNICIOUS ANEMIA, JUVENILE, DUE TO SELECTIVE INTESTINAL MALABSORPTION OF VITAMIN B12, WITH PROTEINURIA; Imerslund-Gräsbeck syndrome; ENTEROCYTE COBALAMIN MALABSORPTION; ENTEROCYTE INTRINSIC FACTOR RECEPTOR, DEFECT OF; Megaloblastic anemia due to inborn errors of metabolism. Identifiers: Orphanet 35858, MedGen C4551825, MONDO:0009853.

Allele frequency attached by ClinVar (database versions not stated): gnomAD exomes 0.00047 and 0.00049; ExAC 0.00032; gnomAD 0.00038; TOPMed 0.00031; ESP Exome Variant Server 0.00062.
gnomAD v4.1: 786 of 1,614,140 alleles (0.049%); highest among the groups gnomAD compares: Non-Finnish European, 0.044%; 1 homozygote.

Submissions (3):

Labcorp Genetics (formerly Invitae), Labcorp
Classification: Likely benign for Imerslund-Grasbeck syndrome. Last evaluated: 2025-12-01. Review status: criteria provided, single submitter. Criteria: Invitae Variant Classification Sherloc (09022015). Collection method: clinical testing. Allele origin: germline.

Eurofins Ntd Llc (ga)
Classification: Uncertain significance. Last evaluated: 2016-07-19. Review status: criteria provided, single submitter. Criteria: EGL Classification Definitions 2015. Collection method: clinical testing. Allele origin: germline. Observed: 1 variant allele, 1 heterozygote.

PreventionGenetics, part of Exact Sciences
Classification: Likely benign for CUBN-related condition. Last evaluated: 2022-03-24. Review status: no assertion criteria provided. Collection method: clinical testing. Allele origin: germline. Not counted in ClinVar's aggregate classification.
Comment: This variant is classified as likely benign based on ACMG/AMP sequence variant interpretation guidelines (Richards et al. 2015 PMID: 25741868, with internal and published modifications).

NM_001081.4(CUBN):c.9236+8A>G

Gene: CUBN (cubilin; minus strand). Cytogenetic location: 10p13.
Variant type: single nucleotide variant.
Coding change: c.9236+8A>G on transcript NM_001081.4 (MANE Select); 8 bases into the intron after coding-DNA position 9236, A replaced by G.
Molecular consequence: intron variant.
Genome position (GRCh38, 1-based): chr10:16,874,366, T>C on the plus strand (A>G on the coding strand, the complement: CUBN is on the minus strand). VCF-style: chr10-16874366-T-C. GRCh37 (hg19) VCF-style: chr10-16916365-T-C.
Other names: c.9236+8A>G (NM_001081.3).
Identifiers: ClinVar variation 289031 (VCV000289031.15), dbSNP rs372673718, ClinGen allele CA5422778.